The following is an entry in ClinVar:

NM_030805.4(LMAN2L):c.18A>T (p.Gly6=)

Gene: LMAN2L (lectin, mannose binding 2 like; minus strand). Cytogenetic location: 2q11.2.
Variant type: single nucleotide variant.
Coding change: c.18A>T on transcript NM_030805.4 (MANE Select); coding-DNA position 18, A replaced by T.
Protein change: p.Gly6=; no amino-acid change (glycine 6 retained).
Molecular consequence: synonymous variant. On other transcripts: 5 prime UTR variant (8).
Genome position (GRCh38, 1-based): chr2:96,740,023, T>A on the plus strand (A>T on the coding strand, the complement: LMAN2L is on the minus strand). VCF-style: chr2-96740023-T-A. GRCh37 (hg19) VCF-style: chr2-97405760-T-A.
Other names: c.-349A>T (NM_001322354.2); c.-416A>T (NM_001322355.2); c.-335A>T (NM_001322356.2, NM_001322346.2); c.18A>T, p.Gly6= (NM_001142292.2); c.-278A>T (NM_001322347.2, NM_001322350.2); c.-216A>T (NM_001322351.2); c.-478A>T (NM_001322352.2).
Identifiers: ClinVar variation 3025408 (VCV003025408.22), dbSNP rs576728406, ClinGen allele CA1783126.

ClinVar aggregate classification (germline): Likely benign (1 of 4 stars; one submission).

Allele frequency attached by ClinVar (database versions not stated): TOPMed 0.00003; gnomAD 0.00008; 1000 Genomes Project 30x 0.00016; 1000 Genomes Project 0.00020.
gnomAD v4.1: 79 of 1,607,954 alleles (0.0049%); highest among the groups gnomAD compares: Admixed American, 0.012%; no homozygotes.

Submission:

CeGaT Center for Human Genetics Tuebingen
Classification: Likely benign. Last evaluated: 2025-12-01. Review status: criteria provided, single submitter. Criteria: CeGaT Center For Human Genetics Tuebingen Variant Classification Criteria Version 2. Collection method: clinical testing. Allele origin: germline. Affected: yes. Observed: 2 variant alleles.
Comment: LMAN2L: BP4, BP7